The following is an entry in ClinVar:

NM_032638.5(GATA2):c.415T>G (p.Ser139Ala)

Gene: GATA2 (GATA binding protein 2; minus strand). Cytogenetic location: 3q21.3.
Variant type: single nucleotide variant.
Coding change: c.415T>G on transcript NM_032638.5 (MANE Select); coding-DNA position 415, T replaced by G.
Protein change: p.Ser139Ala; replaces serine 139 with alanine.
Molecular consequence: missense variant.
Genome position (GRCh38, 1-based): chr3:128,486,183, A>C on the plus strand (T>G on the coding strand, the complement: GATA2 is on the minus strand). VCF-style: chr3-128486183-A-C. GRCh37 (hg19) VCF-style: chr3-128205026-A-C.
Other names: c.415T>G, p.Ser139Ala (NM_001145661.2, NM_001145662.1); short protein forms S139A.
Identifiers: ClinVar variation 4028501 (VCV004028501.1).
Genomic context (GRCh38, chr3:128,486,183, plus strand): 5'-GGGAGGCCACTGAGCTCCCGCTGCCTCCCCCGCTCCCACCCCCAGCCCCTGGGTACACAG[A>C]GAGTGGGCCTCCAGGGCCTCCAGCAGCTGAGGGGTGCAGTGGCGTCTTGGAGAAGGGGCT-3'
Protein context (NP_116027.2, residues 129-149): SAAGGPGGPL[Ser139Ala]VYPGAGGGSG

ClinVar aggregate classification (germline): Uncertain significance (1 of 4 stars; one submission).

Conditions:
Inborn genetic diseases. Identifiers: MedGen C0950123, MeSH D030342.

Submission:

Ambry Genetics
Classification: Uncertain significance for Inborn genetic diseases. Last evaluated: 2025-05-10. Review status: criteria provided, single submitter. Criteria: Ambry Variant Classification Scheme 2023. Collection method: clinical testing. Allele origin: germline.
Comment: The p.S139A variant (also known as c.415T>G), located in coding exon 2 of the GATA2 gene, results from a T to G substitution at nucleotide position 415. The serine at codon 139 is replaced by alanine, an amino acid with similar properties. This amino acid position is conserved. In addition, the in silico prediction for this alteration is inconclusive. Based on the available evidence, the clinical significance of this variant remains unclear.